The following is an entry in ClinVar:

NM_000334.4(SCN4A):c.2905G>A (p.Asp969Asn)

Genes: GH-LCR (growth hormone locus control region; plus strand), SCN4A (sodium voltage-gated channel alpha subunit 4; minus strand). Cytogenetic location: 17q23.3.
Variant type: single nucleotide variant.
Coding change: c.2905G>A on transcript NM_000334.4 (MANE Select); coding-DNA position 2905, G replaced by A.
Protein change: p.Asp969Asn; replaces aspartic acid 969 with asparagine.
Molecular consequence: missense variant.
Genome position (GRCh38, 1-based): chr17:63,949,477, C>T on the plus strand (G>A on the coding strand, the complement: SCN4A is on the minus strand). VCF-style: chr17-63949477-C-T. GRCh37 (hg19) VCF-style: chr17-62026837-C-T.
Other names: short protein forms D969N.
Identifiers: ClinVar variation 1523862 (VCV001523862.10), dbSNP rs2144784455, ClinGen allele CA400622475.

ClinVar aggregate classification (germline): Uncertain significance. Review status: criteria provided, multiple submitters, no conflicts (2 of 4 stars). 2 submissions from 2 submitters: Uncertain significance (2). Last evaluated 2022-02-10.

Conditions:
Paramyotonia congenita of Von Eulenburg. Also called: Eulenburg disease; Myotonia congenita intermittens; Von Eulenburg paramyotonia congenita; PARALYSIS PERIODICA PARAMYOTONICA; Paramyotonia Congenita. Identifiers: Orphanet 684, MedGen C0221055, MONDO:0008195, OMIM 168300. Disease mechanism: loss of function.
Hyperkalemic periodic paralysis. Also called: Familial hyperkalemic periodic paralysis; Gamstorp disease. Identifiers: Orphanet 682, MedGen C0238357, MONDO:0008224, OMIM 170500, HP:0007215.

Submissions (2):

Labcorp Genetics (formerly Invitae), Labcorp
Classification: Uncertain significance for Hyperkalemic periodic paralysis. Last evaluated: 2022-02-10. Review status: criteria provided, single submitter. Criteria: Invitae Variant Classification Sherloc (09022015). Collection method: clinical testing. Allele origin: germline.
Comment: Algorithms developed to predict the effect of missense changes on protein structure and function are either unavailable or do not agree on the potential impact of this missense change (SIFT: "Deleterious"; PolyPhen-2: "Probably Damaging"; Align-GVGD: "Class C15"). In summary, the available evidence is currently insufficient to determine the role of this variant in disease. Therefore, it has been classified as a Variant of Uncertain Significance. This variant has not been reported in the literature in individuals affected with SCN4A-related conditions. This variant is not present in population databases (gnomAD no frequency). This sequence change replaces aspartic acid, which is acidic and polar, with asparagine, which is neutral and polar, at codon 969 of the SCN4A protein (p.Asp969Asn).

MGZ Medical Genetics Center
Classification: Uncertain significance for Paramyotonia congenita of Von Eulenburg. Last evaluated: 2021-10-11. Review status: criteria provided, single submitter. Criteria: ACMG Guidelines, 2015. Collection method: clinical testing. Allele origin: germline. Affected: yes. Observed: 1 variant allele.
Comment: ACMG criteria applied: PM2_SUP, PP3